The following is an entry in ClinVar:

NM_005259.3(MSTN):c.1062T>C (p.Asn354=)

Genes: C2orf88 (chromosome 2 open reading frame 88; plus strand), MSTN (myostatin; minus strand). Cytogenetic location: 2q32.2.
Variant type: single nucleotide variant.
Coding change: c.1062T>C on transcript NM_005259.3 (MANE Select); coding-DNA position 1062, T replaced by C.
Protein change: p.Asn354=; no amino-acid change (asparagine 354 retained).
Molecular consequence: synonymous variant.
Genome position (GRCh38, 1-based): chr2:190,057,324, A>G on the plus strand (T>C on the coding strand, the complement: MSTN is on the minus strand). VCF-style: chr2-190057324-A-G. GRCh37 (hg19) VCF-style: chr2-190922050-A-G.
Other names: c.1062T>C (LRG_200t1).
Identifiers: ClinVar variation 333234 (VCV000333234.5), dbSNP rs761053215, ClinGen allele CA2027015.

ClinVar aggregate classification (germline): Likely benign (1 of 4 stars; one submission).

Conditions:
Myostatin-related muscle hypertrophy (MSLHP). Also called: MUSCLE HYPERTROPHY. Identifiers: Orphanet 275534, MedGen C2931112, MONDO:0013598, OMIM 614160.

Allele frequency attached by ClinVar (database versions not stated): ExAC 0.00002; gnomAD exomes 0.00002 and 0.00004; gnomAD 0.00005; TOPMed 0.00005.
gnomAD v4.1: 70 of 1,613,374 alleles (0.0043%); highest among the groups gnomAD compares: Middle Eastern, 0.016%; no homozygotes.

Submission:

Illumina Laboratory Services, Illumina
Classification: Likely benign for Myostatin-related muscle hypertrophy. Last evaluated: 2018-01-12. Review status: criteria provided, single submitter. Criteria: ICSL Variant Classification Criteria 13 December 2019. Collection method: clinical testing. Allele origin: germline.
Comment: This variant was observed in the ICSL laboratory as part of a predisposition screen in an ostensibly healthy population. It had not been previously curated by ICSL or reported in the Human Gene Mutation Database (HGMD: prior to June 1st, 2018), and was therefore a candidate for classification through an automated scoring system. Utilizing variant allele frequency, disease prevalence and penetrance estimates, and inheritance mode, an automated score was calculated to assess if this variant is too frequent to cause the disease. Based on the score and internal cut-off values, a variant classified as likely benign is not then subjected to further curation. The score for this variant resulted in a classification of likely benign for this disease.